The following is an entry in ClinVar:

NM_001142416.2(AIMP1):c.85G>C (p.Val29Leu)

Gene: AIMP1 (aminoacyl tRNA synthetase complex interacting multifunctional protein 1; plus strand). Cytogenetic location: 4q24.
Variant type: single nucleotide variant.
Coding change: c.85G>C on transcript NM_001142416.2 (MANE Select); coding-DNA position 85, G replaced by C.
Protein change: p.Val29Leu; replaces valine 29 with leucine.
Molecular consequence: missense variant.
Genome position (GRCh38, 1-based): chr4:106,325,094, G>C. VCF-style: chr4-106325094-G-C. GRCh37 (hg19) VCF-style: chr4-107246251-G-C.
Other names: c.85G>C, p.Val29Leu (NM_001142415.2, NM_004757.4); short protein forms V29L.
Identifiers: ClinVar variation 3777294 (VCV003777294.3).
Genomic context (GRCh38, chr4:106,325,094, plus strand): 5'-AAGAGACTGGAGCAGAAGGGTGCAGAGGCAGATCAAATCATTGAATATCTTAAGCAGCAA[G>C]TTTCTCTACTTAAGGAGAAAGCAAGTAAGAAAATTTAAAATTTTTTGAGGAGATACTTAA-3'
Protein context (NP_001135888.2, residues 19-39): DQIIEYLKQQ[Val29Leu]SLLKEKAILQ

ClinVar aggregate classification (germline): Uncertain significance. Review status: criteria provided, multiple submitters, no conflicts (2 of 4 stars). 2 submissions from 2 submitters: Uncertain significance (2). Last evaluated 2025-04-16.

gnomAD v4.1: 25 of 1,612,464 alleles (0.0016%); highest among the groups gnomAD compares: Middle Eastern, 0.049%; no homozygotes.

Submissions (2):

GeneDx
Classification: Uncertain significance. Last evaluated: 2025-04-16. Review status: criteria provided, single submitter. Criteria: GeneDx Variant Classification Process June 2021. Collection method: clinical testing. Allele origin: germline.
Comment: In silico analysis indicates that this missense variant does not alter protein structure/function; Has not been previously published as pathogenic or benign to our knowledge

Blueprint Genetics
Classification: Uncertain significance. Last evaluated: 2022-03-29. Review status: criteria provided, single submitter. Criteria: ACMG Guidelines, 2015. Collection method: clinical testing. Allele origin: germline.